The following is an entry in ClinVar:

NM_007294.4(BRCA1):c.3579_3580insT (p.Thr1194fs)

Genes: BRCA1 (BRCA1 DNA repair associated; minus strand), LOC126862571 (BRD4-independent group 4 enhancer GRCh37_chr17:41243136-41244335; plus strand). Cytogenetic location: 17q21.31.
Variant type: Insertion.
Coding change: c.3579_3580insT on transcript NM_007294.4 (MANE Select); coding-DNA positions 3579 to 3580, T inserted.
Protein change: p.Thr1194fs; shifts the reading frame from threonine 1194.
Molecular consequence: frameshift variant. On other transcripts: intron variant (135).
Genome position: GRCh38 VCF-style: chr17-43091951-T-TA. GRCh37 (hg19) VCF-style: chr17-41243968-T-TA.
Other names: c.3576_3577insT, p.Thr1193fs (NM_001407614.1, NM_001407615.1, NM_001407627.1 and 22 more transcripts); c.3579_3580insT, p.Thr1194fs (NM_001407616.1, NM_001407617.1, NM_001407618.1 and 30 more transcripts); c.3570_3571insT, p.Thr1191fs (NM_001407646.1, NM_001407647.1); c.3456_3457insT, p.Thr1153fs (NM_001407648.1, NM_001407664.1, NM_001407665.1 and 19 more transcripts); c.3453_3454insT, p.Thr1152fs (NM_001407649.1, NM_001407670.1, NM_001407671.1 and 11 more transcripts); c.3501_3502insT, p.Thr1168fs (NM_001407653.1, NM_001407654.1, NM_001407655.1 and 4 more transcripts); c.3498_3499insT, p.Thr1167fs (NM_001407659.1, NM_001407660.1, NM_001407661.1 and 1 more transcripts); c.3438_3439insT, p.Thr1147fs (NM_001407692.1, NM_001407694.1, NM_001407695.1 and 29 more transcripts); and 41 more; short protein forms T1147fs, T1194fs, T1067fs, T1124fs, T1127fs, T1152fs, T1168fs, T1066fs.
Identifiers: ClinVar variation 142925 (VCV000142925.6), dbSNP rs587782824, ClinGen allele CA002278.
Genomic context (GRCh38, chr17:43,091,951, plus strand): 5'-CTTCTGAGGACTCTAATTTCTTGGCCCCTCTTCGGTAACCCTGAGCCAAATGTGTATGGG[T>TA]GAAAGGGCTAGGACTCCTGCTAAGCTCTCCTTTCTGGACGCTTTTGCTAAAAACAGCAGA-3'

ClinVar aggregate classification (germline): Pathogenic (1 of 4 stars; one submission).

Conditions:
Hereditary cancer-predisposing syndrome. Also called: Hereditary Cancer Syndrome; Neoplastic Syndromes, Hereditary; Hereditary neoplastic syndrome; Tumor predisposition. Identifiers: Orphanet 140162, MedGen C0027672, MeSH D009386, MONDO:0015356.

Submission:

Ambry Genetics
Classification: Pathogenic for Hereditary cancer-predisposing syndrome. Last evaluated: 2023-09-06. Review status: criteria provided, single submitter. Criteria: Ambry Variant Classification Scheme 2023. Collection method: clinical testing. Allele origin: germline.
Comment: The c.3579_3580insT pathogenic mutation, located in coding exon 9 of the BRCA1 gene, results from an insertion of one nucleotide at positions 3579 to 3580, causing a translational frameshift with a predicted alternate stop codon (p.F1193Ffs*26). This variant is considered to be rare based on population cohorts in the Genome Aggregation Database (gnomAD). This alteration is expected to result in loss of function by premature protein truncation or nonsense-mediated mRNA decay. As such, this alteration is interpreted as a disease-causing mutation.